The following is an entry in ClinVar:

NM_032119.4(ADGRV1):c.6564T>A (p.Tyr2188Ter)

Gene: ADGRV1 (adhesion G protein-coupled receptor V1; plus strand). Cytogenetic location: 5q14.3.
Variant type: single nucleotide variant.
Coding change: c.6564T>A on transcript NM_032119.4 (MANE Select); coding-DNA position 6564, T replaced by A.
Protein change: p.Tyr2188Ter; replaces tyrosine 2188 with a stop codon.
Molecular consequence: nonsense. On other transcripts: non-coding transcript variant (1).
Genome position (GRCh38, 1-based): chr5:90,689,934, T>A. VCF-style: chr5-90689934-T-A. GRCh37 (hg19) VCF-style: chr5-89985751-T-A.
Other names: short protein forms Y2188*.
Identifiers: ClinVar variation 2699882 (VCV002699882.3), dbSNP rs2530891428, ClinGen allele CA360366209.

ClinVar aggregate classification (germline): Pathogenic (1 of 4 stars; one submission).

Submission:

Labcorp Genetics (formerly Invitae), Labcorp
Classification: Pathogenic. Last evaluated: 2023-11-30. Review status: criteria provided, single submitter. Criteria: Invitae Variant Classification Sherloc (09022015). Collection method: clinical testing. Allele origin: germline.
Comment: This sequence change creates a premature translational stop signal (p.Tyr2188*) in the ADGRV1 gene. It is expected to result in an absent or disrupted protein product. Loss-of-function variants in ADGRV1 are known to be pathogenic (PMID: 19357117, 22135276, 22147658, 26226137, 30718709, 31047384, 32467589). This variant is not present in population databases (gnomAD no frequency). This variant has not been reported in the literature in individuals affected with ADGRV1-related conditions. For these reasons, this variant has been classified as Pathogenic.

Literature cited by the submitters: PubMed 19357117; PubMed 22135276; PubMed 22147658; PubMed 26226137; PubMed 30718709; PubMed 31047384; PubMed 32467589.